The following is an entry in ClinVar:

ClinVar aggregate classification (germline): Uncertain significance. Review status: criteria provided, multiple submitters, no conflicts (2 of 4 stars). 3 submissions from 3 submitters: Uncertain significance (3). Last evaluated 2025-08-12.

Conditions:
Familial melanoma. Also called: Hereditary melanoma; Hereditary cutaneous melanoma. Identifiers: Orphanet 618, MedGen C1512419, MONDO:0018961.
Hereditary cancer-predisposing syndrome. Also called: Neoplastic Syndromes, Hereditary; Hereditary Cancer Syndrome; Tumor predisposition; Hereditary neoplastic syndrome. Identifiers: Orphanet 140162, MedGen C0027672, MeSH D009386, MONDO:0015356.

Allele frequency attached by ClinVar (database versions not stated): TOPMed below 0.00001; gnomAD 0.00001.

Submissions (3):

Ambry Genetics
Classification: Uncertain significance for Hereditary cancer-predisposing syndrome. Last evaluated: 2025-08-12. Review status: criteria provided, single submitter. Criteria: Ambry Variant Classification Scheme 2023. Collection method: clinical testing. Allele origin: germline.
Comment: The p.M207K variant (also known as c.620T>A), located in coding exon 4 of the CDK4 gene, results from a T to A substitution at nucleotide position 620. The methionine at codon 207 is replaced by lysine, an amino acid with similar properties. This amino acid position is highly conserved in available vertebrate species. In addition, this alteration is predicted to be tolerated by in silico analysis. Based on the available evidence, the clinical significance of this variant remains unclear.

Women's Health and Genetics/Laboratory Corporation of America, LabCorp
Classification: Uncertain significance. Last evaluated: 2025-01-20. Review status: criteria provided, single submitter. Criteria: LabCorp Variant Classification Summary - May 2015. Collection method: clinical testing. Allele origin: germline.
Comment: Variant summary: CDK4 c.620T>A (p.Met207Lys) results in a non-conservative amino acid change located in the Protein kinase domain of the encoded protein sequence. Four of five in-silico tools predict a damaging effect of the variant on protein function. The variant was absent in 251494 control chromosomes. The available data on variant occurrences in the general population are insufficient to allow any conclusion about variant significance. To our knowledge, no occurrence of c.620T>A in individuals affected with Cutaneous Malignant Melanoma and no experimental evidence demonstrating its impact on protein function have been reported. ClinVar contains an entry for this variant (Variation ID: 852173). Based on the evidence outlined above, the variant was classified as uncertain significance.

Labcorp Genetics (formerly Invitae), Labcorp
Classification: Uncertain significance for Familial melanoma. Last evaluated: 2024-11-24. Review status: criteria provided, single submitter. Criteria: Invitae Variant Classification Sherloc (09022015). Collection method: clinical testing. Allele origin: germline.
Comment: This sequence change replaces methionine, which is neutral and non-polar, with lysine, which is basic and polar, at codon 207 of the CDK4 protein (p.Met207Lys). This variant is not present in population databases (gnomAD no frequency). This variant has not been reported in the literature in individuals affected with CDK4-related conditions. ClinVar contains an entry for this variant (Variation ID: 852173). Invitae Evidence Modeling of protein sequence and biophysical properties (such as structural, functional, and spatial information, amino acid conservation, physicochemical variation, residue mobility, and thermodynamic stability) indicates that this missense variant is expected to disrupt CDK4 protein function with a positive predictive value of 95%. In summary, the available evidence is currently insufficient to determine the role of this variant in disease. Therefore, it has been classified as a Variant of Uncertain Significance.

NM_000075.4(CDK4):c.620T>A (p.Met207Lys)

Gene: CDK4 (cyclin dependent kinase 4; minus strand). Cytogenetic location: 12q14.1.
Variant type: single nucleotide variant.
Coding change: c.620T>A on transcript NM_000075.4 (MANE Select); coding-DNA position 620, T replaced by A.
Protein change: p.Met207Lys; replaces methionine 207 with lysine.
Molecular consequence: missense variant.
Genome position (GRCh38, 1-based): chr12:57,750,668, A>T on the plus strand (T>A on the coding strand, the complement: CDK4 is on the minus strand). VCF-style: chr12-57750668-A-T. GRCh37 (hg19) VCF-style: chr12-58144451-A-T.
Other names: short protein forms M207K.
Identifiers: ClinVar variation 852173 (VCV000852173.13), dbSNP rs1339920302, ClinGen allele CA385545560.